The following is an entry in ClinVar:

NM_000018.4(ACADVL):c.1064T>G (p.Ile355Ser)

Gene: ACADVL (acyl-CoA dehydrogenase very long chain; plus strand). Cytogenetic location: 17p13.1.
Variant type: single nucleotide variant.
Coding change: c.1064T>G on transcript NM_000018.4 (MANE Select); coding-DNA position 1064, T replaced by G.
Protein change: p.Ile355Ser; replaces isoleucine 355 with serine.
Molecular consequence: missense variant.
Genome position (GRCh38, 1-based): chr17:7,222,852, T>G. VCF-style: chr17-7222852-T-G. GRCh37 (hg19) VCF-style: chr17-7126171-T-G.
Other names: c.998T>G, p.Ile333Ser (NM_001033859.3); c.1133T>G, p.Ile378Ser (NM_001270447.2); c.836T>G, p.Ile279Ser (NM_001270448.2); short protein forms I378S, I333S, I355S, I279S.
Identifiers: ClinVar variation 932875 (VCV000932875.2), dbSNP rs1351976589, ClinGen allele CA397724273.

ClinVar aggregate classification (germline): Uncertain significance (1 of 4 stars; one submission).

Conditions:
Very long chain acyl-CoA dehydrogenase deficiency (ACADVLD). Also called: Very Long-Chain Acyl-Coenzyme A Dehydrogenase Deficiency; VLCAD Deficiency. Identifiers: Orphanet 26793, MedGen C3887523, MONDO:0008723, OMIM 201475.

Submission:

Wong Mito Lab, Molecular and Human Genetics, Baylor College of Medicine
Classification: Uncertain significance for Very long chain acyl-CoA dehydrogenase deficiency. Last evaluated: 2019-11-01. Review status: criteria provided, single submitter. Criteria: ACMG Guidelines, 2015. Collection method: clinical testing. Allele origin: germline.
Comment: The NM_000018.3:c.1064T>G (NP_000009.1:p.Ile355Ser) [GRCH38: NC_000017.11:g.7222852T>G] variant in ACADVL gene is interpretated to be Uncertain Significance based on ACMG guidelines (PMID: 25741868). This variant has been reported. This variant meets the following evidence codes reported in the ACMG guidelines: BP4